The following is an entry in ClinVar:

ClinVar aggregate classification (germline): Likely pathogenic. Review status: reviewed by expert panel (3 of 4 stars). 24 submissions from 22 submitters: Likely pathogenic (1). 23 of the submissions do not count toward it. Last evaluated 2023-04-05.

Conditions:
Inherited ovarian cancer (without breast cancer).
PALB2-related disorder. Also called: PALB2-related disorders; PALB2-related condition.
PALB2-related cancer predisposition. Identifiers: MedGen CN377761, MONDO:0700272.
Breast-ovarian cancer, familial, susceptibility to, 5 (BROVCA5). Identifiers: MedGen C5830615, MONDO:0957530, OMIM 620442.
Inherited breast cancer and ovarian cancer.
Breast and/or ovarian cancer. Identifiers: MedGen CN221562.
Hereditary cancer-predisposing syndrome. Also called: Neoplastic Syndromes, Hereditary; Tumor predisposition; Hereditary Cancer Syndrome; Hereditary neoplastic syndrome. Identifiers: Orphanet 140162, MedGen C0027672, MeSH D009386, MONDO:0015356.
Hereditary breast ovarian cancer syndrome. Also called: BRCA1- and BRCA2-Associated Hereditary Breast and Ovarian Cancer; Hereditary breast and ovarian cancer; Hereditary breast and ovarian cancer syndrome; Hereditary breast and ovarian cancer syndrome (HBOC); Breast and ovarian cancer; Hereditary breast and/or ovarian cancer syndrome. Identifiers: Orphanet 145, MedGen C0677776, MeSH D061325, MONDO:0003582. Disease mechanism: loss of function.
Familial cancer of breast. Also called: hereditary breast carcinoma; Hereditary breast cancer; BREAST CANCER, FAMILIAL. Identifiers: Orphanet 227535, MedGen C0346153, MONDO:0016419, OMIM 114480. Disease mechanism: loss of function.
Malignant tumor of breast. Also called: Cancer breast; Malignant breast neoplasm. Identifiers: MedGen C0006142, MONDO:0007254. Disease mechanism: loss of function.

Submissions 1 to 8 of 24:

ClinGen Hereditary Breast, Ovarian and Pancreatic Cancer Variant Curation Expert Panel, ClinGen
Classification: Likely pathogenic for PALB2-related cancer predisposition. Last evaluated: 2023-04-05. Review status: reviewed by expert panel. Criteria: ClinGen HBOP VCEP ACMG Specifications PALB2 V1.0.0. Collection method: curation. Allele origin: germline. Inheritance: Autosomal dominant inheritance.
Comment: The c.3362del (p.Gly1121fs) variant in PALB2 is a frameshift variant that may cause a premature stop codon that is predicted to escape nonsense mediated decay; however, it is a truncation of a functionally important region (removes amino acids 1123-1187) in a gene where loss-of-function is an established disease mechanism. This alteration results in a termination codon upstream of the most C-terminal pathogenic alteration (PALB2 p.Tyr1183*) as classified by the HBOP VCEP, and is expected to be more deleterious. This variant has a minor allele frequency in gnomAD v2.1.1 of 0.000003979 in the non-Finnish European population (PM2_Supporting, BS1, and BA1 are not met). In summary, this variant meets criteria to be classified likely pathogenic for autosomal dominant hereditary breast and pancreatic cancer and autosomal recessive FANCN based on the ACMG/AMP criteria applied as specified by the HBOP VCEP. (PVS1, PM5_Supporting)

Genetics Laboratory, Great Ormond Street Hospital NHS Foundation Trust, North Thames Genomic Laboratory Hub
Classification: Likely pathogenic for Inherited breast cancer and ovarian cancer. Last evaluated: 2026-06-15. Review status: criteria provided, single submitter. Criteria: CanVIG PALB2 Gene Specific V1.2. Collection method: clinical testing. Allele origin: germline. Affected: yes. Not counted in ClinVar's aggregate classification.
Comment: PS4_strong, PVS1_strong, PM5_supporting

Genetics Laboratory, Great Ormond Street Hospital NHS Foundation Trust, North Thames Genomic Laboratory Hub
Classification: Likely pathogenic for Inherited ovarian cancer (without breast cancer). Last evaluated: 2026-06-15. Review status: criteria provided, single submitter. Criteria: CanVIG PALB2 Gene Specific V1.2. Collection method: clinical testing. Allele origin: germline. Affected: yes. Not counted in ClinVar's aggregate classification.
Comment: the same text as in the submission from Genetics Laboratory, Great Ormond Street Hospital NHS Foundation Trust, North Thames Genomic Laboratory Hub above.

Institute of Human Genetics, University of Leipzig Medical Center
Classification: Likely pathogenic for Breast-ovarian cancer, familial, susceptibility to, 5. Last evaluated: 2026-04-27. Review status: criteria provided, single submitter. Criteria: ACMG Guidelines, 2015. Collection method: clinical testing. Allele origin: unknown. Inheritance: Autosomal dominant inheritance. Affected: yes. Not counted in ClinVar's aggregate classification.
Comment: Criteria applied: PVS1,PM5_SUP

Labcorp Genetics (formerly Invitae), Labcorp
Classification: Pathogenic for Familial cancer of breast. Last evaluated: 2026-01-25. Review status: criteria provided, single submitter. Criteria: Invitae Variant Classification Sherloc (09022015). Collection method: clinical testing. Allele origin: germline. Not counted in ClinVar's aggregate classification.
Comment: This sequence change creates a premature translational stop signal (p.Gly1121Valfs*3) in the PALB2 gene. While this is not anticipated to result in nonsense mediated decay, it is expected to disrupt the last 66 amino acid(s) of the PALB2 protein. This variant is present in population databases (rs515726117, gnomAD 0.0009%). This premature translational stop signal has been observed in individual(s) with breast cancer (PMID: 23935836, 24136930, 24549055, 25099575, 26283626; internal data). It has also been observed to segregate with disease in related individuals. ClinVar contains an entry for this variant (Variation ID: 126739). This variant disrupts a region of the PALB2 protein in which other variant(s) (p.Leu1143Thrfs*14 and p.Tyr1183*) have been determined to be pathogenic (PMID: 17200668, 17200671, 21365267, 25099575, 25452441, 26315354; internal data). This suggests that this is a clinically significant region of the protein, and that variants that disrupt it are likely to be disease-causing. For these reasons, this variant has been classified as Pathogenic.

Institute for Genomic Medicine (IGM) Clinical Laboratory, Nationwide Children's Hospital
Classification: Pathogenic for PALB2-related cancer predisposition. Last evaluated: 2025-11-19. Review status: criteria provided, single submitter. Criteria: ACMG Guidelines, 2015. Collection method: clinical testing. Allele origin: germline. Not counted in ClinVar's aggregate classification.
Comment: This variant is predicted to result in loss of function through nonsense-mediated decay of the encoded transcript or premature truncation of the encoded protein in a gene in which loss of function is a known mechanism of disease (ACMG/AMP: PVS1; PMIDs:25099575, 33195396). Well-established functional studies have demonstrated this variant to have a damaging effect on protein function or splicing (ACMG/AMP: PS3_Supporting; PMID:33195396). This variant has been reported at an elevated frequency in affected individuals/in multiple affected individuals in the literature (ACMG/AMP: PS4_Moderate; PMIDs:23935836, 24136930, 24549055, 26283626). This variant is absent from or present at an exceedingly low frequency in gnomAD, a large-scale control population database (ACMG/AMP: PM2).

PreventionGenetics, part of Exact Sciences
Classification: Pathogenic for PALB2-related condition. Last evaluated: 2025-07-23. Review status: criteria provided, single submitter. Criteria: ACMG Guidelines, 2015. Collection method: clinical testing. Allele origin: germline. Not counted in ClinVar's aggregate classification.
Comment: The PALB2 c.3362delG variant is predicted to result in a frameshift and premature protein termination (p.Gly1121Valfs*3). This variant has been reported as causative for breast and/or ovarian cancer (see for example Blanco et al. 2013. PubMed ID: 23935836; Thompson et al. 2015. PubMed ID: 26283626; Lee et al. 2018. PubMed ID: 29431189). This variant is reported in 0.00088% of alleles in individuals of European (Non-Finnish) descent in gnomAD and is interpreted as pathogenic or likely pathogenic in ClinVar (Variation ID: 126739). Frameshift variants in PALB2 are expected to be pathogenic. This variant is interpreted as pathogenic.

Ambry Genetics
Classification: Pathogenic for Hereditary cancer-predisposing syndrome. Last evaluated: 2025-01-28. Review status: criteria provided, single submitter. Criteria: Ambry Variant Classification Scheme 2023. Collection method: clinical testing. Allele origin: germline. Not counted in ClinVar's aggregate classification.
Comment: The c.3362delG pathogenic mutation, located in coding exon 13 of the PALB2 gene, results from a deletion of one nucleotide at nucleotide position 3362, causing a translational frameshift with a predicted alternate stop codon (p.G1121Vfs*3). This alteration occurs at the 3' terminus of thePALB2 gene, is not expected to trigger nonsense-mediated mRNA decay, and only impacts the last 66 amino acids of the protein. However, premature stop codons are typically deleterious in nature and the impacted region is critical for protein function (Ambry internal data). This mutation has been previously reported in numerous kindreds characterized by early-onset breast cancer, triple negative breast cancer, prostate and/or pancreatic cancer (Blanco A at al. PLoS ONE. 2013 Jul;8:e67538; Janatova M et al. Cancer Epidemiol. Biomarkers Prev. 2013 Dec;22:2323-32; Antoniou AC et al. N. Engl. J. Med. 2014 Aug;371:497-506; Cast&eacute;ra L et al. Eur. J. Hum. Genet. 2014 Nov;22:1305-13; Couch FJ et al. J. Clin. Oncol. 2015 Feb;33:304-11; Thompson ER et al. Breast Cancer Res. 2015 Aug;17:111; Thompson ER et al. J Clin Oncol, 2016 May;34:1455-9; Lee JEA et al. J. Pathol. 2018 May;245(1):53-60; Nguyen-Dumont T et al. Int J Cancer, 2020 10;147:2142-2149). This alteration was found to be functionally abnormal in a homology-directed DNA repair (HDR) assay (Wiltshire T et al. Genet Med, 2020 03;22:622-632). Based on the supporting evidence, this alteration is interpreted as a disease-causing mutation.

NM_024675.4(PALB2):c.3362del (p.Gly1121fs)

Gene: PALB2 (partner and localizer of BRCA2; minus strand). Cytogenetic location: 16p12.2.
Variant type: Deletion.
Coding change: c.3362del on transcript NM_024675.4 (MANE Select); coding-DNA position 3362, one base deleted (G; older notation c.3362delG).
Protein change: p.Gly1121fs; shifts the reading frame from glycine 1121.
Molecular consequence: frameshift variant.
Genome position (GRCh38, 1-based): chr16:23,603,658, C deleted on the plus strand (G on the coding strand, the reverse complement: PALB2 is on the minus strand); the first of 2 consecutive C bases (chr16:23,603,658-23,603,659); deleting either gives the same sequence. VCF-style (leftmost placement, unchanged base first): chr16-23603657-AC-A. GRCh37 (hg19) VCF-style: chr16-23614978-AC-A.
Other names: NM_024675.3(PALB2):c.3362del; p.Gly1121fs; c.3362delG (NM_024675.3, NM_024675.4).
Identifiers: ClinVar variation 126739 (VCV000126739.56), dbSNP rs515726117, ClinGen allele CA167019.